The following is an entry in ClinVar:

ClinVar aggregate classification (germline): Pathogenic (1 of 4 stars; one submission).

Conditions:
Cohen syndrome (COH1). Also called: Cutis verticis gyrata, retinitis pigmentosa, and sensorineural deafness; PEPPER SYNDROME. Identifiers: Orphanet 193, MedGen C0265223, MONDO:0008999, OMIM 216550.

Submission:

Labcorp Genetics (formerly Invitae), Labcorp
Classification: Pathogenic for Cohen syndrome. Last evaluated: 2023-03-02. Review status: criteria provided, single submitter. Criteria: Invitae Variant Classification Sherloc (09022015). Collection method: clinical testing. Allele origin: unknown.
Comment: This variant is a gross deletion of the genomic region encompassing exon(s) 15-17 of the VPS13B gene. This deletion is out-of-frame, and is expected to create a premature termination codon and result in an absent or disrupted protein product. Loss-of-function variants in VPS13B are known to be pathogenic (PMID: 15141358, 16648375, 20461111). This variant has not been reported in the literature in individuals affected with VPS13B-related conditions. For these reasons, this variant has been classified as Pathogenic.

Literature cited by the submitters: PubMed 15141358; PubMed 16648375; PubMed 20461111.

NC_000008.10:g.(?_100168757)_(100205305_?)del

Gene: VPS13B (vacuolar protein sorting 13 homolog B; plus strand). Cytogenetic location: 8q22.2.
Variant type: Deletion.
Identifiers: ClinVar variation 3245433 (VCV003245433.1).